The following is an entry in ClinVar:

ClinVar aggregate classification (germline): Uncertain significance (1 of 4 stars; one submission).

Submission:

Labcorp Genetics (formerly Invitae), Labcorp
Classification: Uncertain significance. Last evaluated: 2024-04-22. Review status: criteria provided, single submitter. Criteria: Invitae Variant Classification Sherloc (09022015). Collection method: clinical testing. Allele origin: germline.
Comment: This sequence change falls in intron 14 of the A2ML1 gene. It does not directly change the encoded amino acid sequence of the A2ML1 protein. It affects a nucleotide within the consensus splice site. This variant is not present in population databases (gnomAD no frequency). This variant has not been reported in the literature in individuals affected with A2ML1-related conditions. Variants that disrupt the consensus splice site are a relatively common cause of aberrant splicing (PMID: 17576681, 9536098). Algorithms developed to predict the effect of sequence changes on RNA splicing suggest that this variant is not likely to affect RNA splicing. In summary, the available evidence is currently insufficient to determine the role of this variant in disease. Therefore, it has been classified as a Variant of Uncertain Significance.

Literature cited by the submitters: PubMed 17576681; PubMed 9536098.

NM_144670.6(A2ML1):c.1684-3C>T

Gene: A2ML1 (alpha-2-macroglobulin like 1; plus strand). Cytogenetic location: 12p13.31.
Variant type: single nucleotide variant.
Coding change: c.1684-3C>T on transcript NM_144670.6 (MANE Select); 3 bases into the intron before coding-DNA position 1684, C replaced by T.
Molecular consequence: intron variant.
Genome position (GRCh38, 1-based): chr12:8,847,546, C>T. VCF-style: chr12-8847546-C-T. GRCh37 (hg19) VCF-style: chr12-9000142-C-T.
Other names: c.211-3C>T (NM_001282424.3).
Identifiers: ClinVar variation 3708817 (VCV003708817.2).